The following is an entry in ClinVar:

ClinVar aggregate classification (germline): Uncertain significance (1 of 4 stars; one submission).

Submission:

GeneDx
Classification: Uncertain significance. Last evaluated: 2023-03-12. Review status: criteria provided, single submitter. Criteria: GeneDx Variant Classification Process June 2021. Collection method: clinical testing. Allele origin: germline. Affected: yes.
Comment: Not observed at significant frequency in large population cohorts (gnomAD); In silico analysis supports that this missense variant has a deleterious effect on protein structure/function; Has not been previously published as pathogenic or benign to our knowledge

NM_182641.4(BPTF):c.8683G>C (p.Glu2895Gln)

Gene: BPTF (bromodomain PHD finger transcription factor; plus strand). Cytogenetic location: 17q24.2.
Variant type: single nucleotide variant.
Coding change: c.8683G>C on transcript NM_182641.4 (MANE Select); coding-DNA position 8683, G replaced by C.
Protein change: p.Glu2895Gln; replaces glutamic acid 2895 with glutamine.
Molecular consequence: missense variant.
Genome position (GRCh38, 1-based): chr17:67,975,915, G>C. VCF-style: chr17-67975915-G-C. GRCh37 (hg19) VCF-style: chr17-65972031-G-C.
Other names: c.8632G>C, p.Glu2878Gln (NM_004459.7); short protein forms E2878Q, E2895Q.
Identifiers: ClinVar variation 2580013 (VCV002580013.1), dbSNP rs2513705006, ClinGen allele CA400734029.